The following is an entry in ClinVar:

NM_014314.4(RIGI):c.1424T>C (p.Ile475Thr)

Gene: RIGI (RNA sensor RIG-I; minus strand). Cytogenetic location: 9p21.1.
Variant type: single nucleotide variant.
Coding change: c.1424T>C on transcript NM_014314.4 (MANE Select); coding-DNA position 1424, T replaced by C.
Protein change: p.Ile475Thr; replaces isoleucine 475 with threonine.
Molecular consequence: missense variant.
Genome position (GRCh38, 1-based): chr9:32,485,231, A>G on the plus strand (T>C on the coding strand, the complement: RIGI is on the minus strand). VCF-style: chr9-32485231-A-G. GRCh37 (hg19) VCF-style: chr9-32485229-A-G.
Other names: c.1418T>C, p.Ile473Thr (NM_001385907.1); c.1424T>C, p.Ile475Thr (NM_001385909.1); c.983T>C, p.Ile328Thr (NM_001385910.1); c.815T>C, p.Ile272Thr (NM_001385912.1); c.1409T>C, p.Ile470Thr (NM_001385913.1); c.980T>C, p.Ile327Thr (NM_001385914.1); short protein forms I470T, I475T, I272T, I473T, I327T, I328T.
Identifiers: ClinVar variation 2844992 (VCV002844992.3), dbSNP rs2489326133, ClinGen allele CA373154720.
Genomic context (GRCh38, chr9:32,485,231, plus strand): 5'-TCACCGAGGTCTTTGCAGATTCTCTTTGCCAGACTCTCTGTGTCCCTCATCAGCTGAGCT[A>G]TGATGTATTTAAATTTGTCGCTAATCCGTGATTCCACTTTCCTGAAAACTAGAGACGTCA-3'
Protein context (NP_055129.2, residues 465-485): SRISDKFKYI[Ile475Thr]AQLMRDTESL

ClinVar aggregate classification (germline): Uncertain significance (1 of 4 stars; one submission).

Submission:

Labcorp Genetics (formerly Invitae), Labcorp
Classification: Uncertain significance. Last evaluated: 2023-03-13. Review status: criteria provided, single submitter. Criteria: Invitae Variant Classification Sherloc (09022015). Collection method: clinical testing. Allele origin: germline.
Comment: This variant is not present in population databases (gnomAD no frequency). This sequence change replaces isoleucine, which is neutral and non-polar, with threonine, which is neutral and polar, at codon 475 of the DDX58 protein (p.Ile475Thr). This variant has not been reported in the literature in individuals affected with DDX58-related conditions. Advanced modeling of protein sequence and biophysical properties (such as structural, functional, and spatial information, amino acid conservation, physicochemical variation, residue mobility, and thermodynamic stability) performed at Invitae indicates that this missense variant is expected to disrupt DDX58 protein function. In summary, the available evidence is currently insufficient to determine the role of this variant in disease. Therefore, it has been classified as a Variant of Uncertain Significance.